The following is an entry in ClinVar:

NM_005732.4(RAD50):c.3350T>G (p.Val1117Gly)

Gene: RAD50 (RAD50 double strand break repair protein; plus strand). Cytogenetic location: 5q31.1.
Variant type: single nucleotide variant.
Coding change: c.3350T>G on transcript NM_005732.4 (MANE Select); coding-DNA position 3350, T replaced by G.
Protein change: p.Val1117Gly; replaces valine 1117 with glycine.
Molecular consequence: missense variant.
Genome position (GRCh38, 1-based): chr5:132,618,255, T>G. VCF-style: chr5-132618255-T-G. GRCh37 (hg19) VCF-style: chr5-131953947-T-G.
Other names: short protein forms V1117G.
Identifiers: ClinVar variation 1730515 (VCV001730515.2), dbSNP rs2479388851, ClinGen allele CA360964963.

ClinVar aggregate classification (germline): Uncertain significance (1 of 4 stars; one submission).

Conditions:
Hereditary cancer-predisposing syndrome. Also called: Neoplastic Syndromes, Hereditary; Tumor predisposition; Hereditary Cancer Syndrome; Hereditary neoplastic syndrome. Identifiers: Orphanet 140162, MedGen C0027672, MeSH D009386, MONDO:0015356.

Submission:

Ambry Genetics
Classification: Uncertain significance for Hereditary cancer-predisposing syndrome. Last evaluated: 2022-07-30. Review status: criteria provided, single submitter. Criteria: Ambry Variant Classification Scheme 2023. Collection method: clinical testing. Allele origin: germline.
Comment: The p.V1117G variant (also known as c.3350T>G), located in coding exon 21 of the RAD50 gene, results from a T to G substitution at nucleotide position 3350. The valine at codon 1117 is replaced by glycine, an amino acid with dissimilar properties. This amino acid position is conserved. In addition, the in silico prediction for this alteration is inconclusive. Since supporting evidence is limited at this time, the clinical significance of this alteration remains unclear.